The following is an entry in ClinVar:

ClinVar aggregate classification (germline): Uncertain significance (1 of 4 stars; one submission).

Submission:

Labcorp Genetics (formerly Invitae), Labcorp
Classification: Uncertain significance. Last evaluated: 2023-07-12. Review status: criteria provided, single submitter. Criteria: Invitae Variant Classification Sherloc (09022015). Collection method: clinical testing. Allele origin: germline.
Comment: This variant is not present in population databases (gnomAD no frequency). In summary, the available evidence is currently insufficient to determine the role of this variant in disease. Therefore, it has been classified as a Variant of Uncertain Significance. Algorithms developed to predict the effect of sequence changes on RNA splicing suggest that this variant may create or strengthen a splice site. Advanced modeling of protein sequence and biophysical properties (such as structural, functional, and spatial information, amino acid conservation, physicochemical variation, residue mobility, and thermodynamic stability) performed at Invitae indicates that this missense variant is expected to disrupt EPHB4 protein function. This variant has not been reported in the literature in individuals affected with EPHB4-related conditions. This sequence change replaces tryptophan, which is neutral and slightly polar, with cysteine, which is neutral and slightly polar, at codon 72 of the EPHB4 protein (p.Trp72Cys).

NM_004444.5(EPHB4):c.216G>T (p.Trp72Cys)

Gene: EPHB4 (EPH receptor B4; minus strand). Cytogenetic location: 7q22.1.
Variant type: single nucleotide variant.
Coding change: c.216G>T on transcript NM_004444.5 (MANE Select); coding-DNA position 216, G replaced by T.
Protein change: p.Trp72Cys; replaces tryptophan 72 with cysteine.
Molecular consequence: missense variant.
Genome position (GRCh38, 1-based): chr7:100,823,839, C>A on the plus strand (G>T on the coding strand, the complement: EPHB4 is on the minus strand). VCF-style: chr7-100823839-C-A. GRCh37 (hg19) VCF-style: chr7-100421461-C-A.
Other names: short protein forms W72C.
Identifiers: ClinVar variation 2994456 (VCV002994456.3), dbSNP rs2485049740, ClinGen allele CA368584422.